The following is an entry in ClinVar:

ClinVar aggregate classification (germline): Uncertain significance (1 of 4 stars; one submission).

Submission:

Ambry Genetics
Classification: Uncertain significance. Last evaluated: 2021-11-09. Review status: criteria provided, single submitter. Criteria: Ambry Variant Classification Scheme 2023. Collection method: clinical testing. Allele origin: germline.
Comment: The p.P964S variant (also known as c.2890C>T), located in coding exon 4 of the ALPK2 gene, results from a C to T substitution at nucleotide position 2890. The proline at codon 964 is replaced by serine, an amino acid with similar properties. This amino acid position is conserved. In addition, this alteration is predicted to be tolerated by in silico analysis. Since supporting evidence is limited at this time, the clinical significance of this alteration remains unclear.

NM_052947.4(ALPK2):c.2890C>T (p.Pro964Ser)

Gene: ALPK2 (alpha kinase 2; minus strand). Cytogenetic location: 18q21.31.
Variant type: single nucleotide variant.
Coding change: c.2890C>T on transcript NM_052947.4 (MANE Select); coding-DNA position 2890, C replaced by T.
Protein change: p.Pro964Ser; replaces proline 964 with serine.
Molecular consequence: missense variant.
Genome position (GRCh38, 1-based): chr18:58,537,297, G>A on the plus strand (C>T on the coding strand, the complement: ALPK2 is on the minus strand). VCF-style: chr18-58537297-G-A. GRCh37 (hg19) VCF-style: chr18-56204529-G-A.
Other names: short protein forms P964S.
Identifiers: ClinVar variation 1797301 (VCV001797301.2), dbSNP rs2518877122, ClinGen allele CA402569548.
Genomic context (GRCh38, chr18:58,537,297, plus strand): 5'-AACTCACAATTGAACTATAACTGGCTGGTGTGGCTGTGGTGTCTGCGGCACTAGGACTGG[G>A]GCTCTTGTCACCTCCTTCTTTAAATTGCACTAAAGGATTGTTCTCAGAAGAAAGGAGCTG-3'
Protein context (NP_443179.3, residues 954-974): VQFKEGGDKS[Pro964Ser]SPSAADTTAT